The following is an entry in ClinVar:

NM_004239.4(TRIP11):c.1493A>T (p.Glu498Val)

Gene: TRIP11 (thyroid hormone receptor interactor 11; minus strand). Cytogenetic location: 14q32.12.
Variant type: single nucleotide variant.
Coding change: c.1493A>T on transcript NM_004239.4 (MANE Select); coding-DNA position 1493, A replaced by T.
Protein change: p.Glu498Val; replaces glutamic acid 498 with valine.
Molecular consequence: missense variant.
Genome position (GRCh38, 1-based): chr14:92,007,674, T>A on the plus strand (A>T on the coding strand, the complement: TRIP11 is on the minus strand). VCF-style: chr14-92007674-T-A. GRCh37 (hg19) VCF-style: chr14-92474018-T-A.
Other names: c.1490A>T, p.Glu497Val (NM_001321851.1); short protein forms E498V, E497V.
Identifiers: ClinVar variation 955450 (VCV000955450.8), dbSNP rs1380783440, ClinGen allele CA390661614.

ClinVar aggregate classification (germline): Uncertain significance (1 of 4 stars; one submission).

Conditions:
Achondrogenesis, type IA (ACG1A). Identifiers: Orphanet 932, Orphanet 93299, MedGen C0265273, MONDO:0008701, OMIM 200600.

Allele frequency attached by ClinVar (database versions not stated): gnomAD exomes below 0.00001 and 0.00001.

Submission:

Labcorp Genetics (formerly Invitae), Labcorp
Classification: Uncertain significance for Achondrogenesis, type IA. Last evaluated: 2021-02-18. Review status: criteria provided, single submitter. Criteria: Invitae Variant Classification Sherloc (09022015). Collection method: clinical testing. Allele origin: germline.
Comment: This variant is not present in population databases (ExAC no frequency). In summary, the available evidence is currently insufficient to determine the role of this variant in disease. Therefore, it has been classified as a Variant of Uncertain Significance. Algorithms developed to predict the effect of missense changes on protein structure and function are either unavailable or do not agree on the potential impact of this missense change (SIFT: "Tolerated"; PolyPhen-2: "Probably Damaging"; Align-GVGD: "Class C0"). This variant has not been reported in the literature in individuals with TRIP11-related conditions. This sequence change replaces glutamic acid with valine at codon 498 of the TRIP11 protein (p.Glu498Val). The glutamic acid residue is moderately conserved and there is a moderate physicochemical difference between glutamic acid and valine.